The following is an entry in ClinVar:

ClinVar aggregate classification (germline): Uncertain significance (1 of 4 stars; one submission).

Conditions:
Inborn genetic diseases. Identifiers: MedGen C0950123, MeSH D030342.

Allele frequency attached by ClinVar (database versions not stated): TOPMed 0.00002.

Submission:

Ambry Genetics
Classification: Uncertain significance for Inborn genetic diseases. Last evaluated: 2021-10-25. Review status: criteria provided, single submitter. Criteria: Ambry Variant Classification Scheme 2023. Collection method: clinical testing. Allele origin: germline.
Comment: The p.A1091G variant (also known as c.3272C>G), located in coding exon 24 of the LTBP3 gene, results from a C to G substitution at nucleotide position 3272. The alanine at codon 1091 is replaced by glycine, an amino acid with similar properties. This amino acid position is conserved. In addition, the in silico prediction for this alteration is inconclusive. Since supporting evidence is limited at this time, the clinical significance of this alteration remains unclear.

NM_001130144.3(LTBP3):c.3272C>G (p.Ala1091Gly)

Genes: LTBP3 (latent transforming growth factor beta binding protein 3; minus strand), LOC121832793 (Sharpr-MPRA regulatory region 4001; plus strand). Cytogenetic location: 11q13.1.
Variant type: single nucleotide variant.
Coding change: c.3272C>G on transcript NM_001130144.3 (MANE Select); coding-DNA position 3272, C replaced by G.
Protein change: p.Ala1091Gly; replaces alanine 1091 with glycine.
Molecular consequence: missense variant. On other transcripts: intron variant (2).
Genome position (GRCh38, 1-based): chr11:65,540,126, G>C on the plus strand (C>G on the coding strand, the complement: LTBP3 is on the minus strand). VCF-style: chr11-65540126-G-C. GRCh37 (hg19) VCF-style: chr11-65307597-G-C.
Other names: c.2893+119C>G (NM_001164266.1); c.3244+119C>G (NM_021070.4); short protein forms A1091G.
Identifiers: ClinVar variation 1729634 (VCV001729634.2), dbSNP rs922532403, ClinGen allele CA224009103.